The following is an entry in ClinVar:

ClinVar aggregate classification (germline): Uncertain significance (1 of 4 stars; one submission).

Allele frequency attached by ClinVar (database versions not stated): gnomAD exomes below 0.00001; ExAC 0.00001.
gnomAD v4.1: 2 of 1,599,280 alleles (0.00013%); highest among the groups gnomAD compares: Middle Eastern, 0.033%; no homozygotes.

Submission:

Labcorp Genetics (formerly Invitae), Labcorp
Classification: Uncertain significance. Last evaluated: 2021-08-09. Review status: criteria provided, single submitter. Criteria: Invitae Variant Classification Sherloc (09022015). Collection method: clinical testing. Allele origin: germline.
Comment: This sequence change replaces histidine with arginine at codon 165 of the CCDC88A protein (p.His165Arg). The histidine residue is moderately conserved and there is a small physicochemical difference between histidine and arginine. This variant is present in population databases (rs756246499, ExAC 0.002%). This variant has not been reported in the literature in individuals affected with CCDC88A-related conditions. Algorithms developed to predict the effect of missense changes on protein structure and function are either unavailable or do not agree on the potential impact of this missense change (SIFT: "Tolerated"; PolyPhen-2: "Possibly Damaging"; Align-GVGD: "Class C0"). In summary, the available evidence is currently insufficient to determine the role of this variant in disease. Therefore, it has been classified as a Variant of Uncertain Significance.

NM_001365480.1(CCDC88A):c.494A>G (p.His165Arg)

Gene: CCDC88A (coiled-coil and HOOK domain protein 88A; minus strand). Cytogenetic location: 2p16.1.
Variant type: single nucleotide variant.
Coding change: c.494A>G on transcript NM_001365480.1 (MANE Select); coding-DNA position 494, A replaced by G.
Protein change: p.His165Arg; replaces histidine 165 with arginine.
Molecular consequence: missense variant.
Genome position (GRCh38, 1-based): chr2:55,362,441, T>C on the plus strand (A>G on the coding strand, the complement: CCDC88A is on the minus strand). VCF-style: chr2-55362441-T-C. GRCh37 (hg19) VCF-style: chr2-55589577-T-C.
Other names: c.494A>G, p.His165Arg (NM_001135597.2, NM_001254943.2, NM_018084.5); short protein forms H165R.
Identifiers: ClinVar variation 1511347 (VCV001511347.6), dbSNP rs756246499, ClinGen allele CA1666355.